The following is an entry in ClinVar:

ClinVar aggregate classification (germline): Pathogenic/Likely pathogenic. Review status: criteria provided, multiple submitters, no conflicts (2 of 4 stars). 2 submissions from 2 submitters: Pathogenic (1); Likely pathogenic (1). Last evaluated 2024-09-16.

Submissions (2):

GeneDx
Classification: Likely pathogenic. Last evaluated: 2024-09-16. Review status: criteria provided, single submitter. Criteria: GeneDx Variant Classification Process June 2021. Collection method: clinical testing. Allele origin: germline. Affected: yes.
Comment: Frameshift variant predicted to result in abnormal protein length as the last 104 amino acids are replaced with 76 different amino acids, and other similar variants have been reported in HGMD; This variant is associated with the following publications: (PMID: 25290684)

Labcorp Genetics (formerly Invitae), Labcorp
Classification: Pathogenic. Last evaluated: 2024-05-26. Review status: criteria provided, single submitter. Criteria: Invitae Variant Classification Sherloc (09022015). Collection method: clinical testing. Allele origin: germline.
Comment: This sequence change creates a premature translational stop signal (p.Gly76Alafs*77) in the MPLKIP gene. While this is not anticipated to result in nonsense mediated decay, it is expected to disrupt the last 104 amino acid(s) of the MPLKIP protein. The frequency data for this variant in the population databases is considered unreliable, as metrics indicate poor data quality at this position in the gnomAD database. This premature translational stop signal has been observed in individual(s) with MPLKIP-related conditions (PMID: 25290684). This variant disrupts a region of the MPLKIP protein in which other variant(s) (p.Met144Val) have been determined to be pathogenic (PMID: 15645389). This suggests that this is a clinically significant region of the protein, and that variants that disrupt it are likely to be disease-causing. For these reasons, this variant has been classified as Pathogenic.

Literature cited by the submitters: PubMed 25290684 (cited by Labcorp Genetics (formerly Invitae), Labcorp); PubMed 15645389 (cited by Labcorp Genetics (formerly Invitae), Labcorp).

NM_138701.4(MPLKIP):c.227del (p.Gly76fs)

Gene: MPLKIP (M-phase specific PLK1 interacting protein; minus strand). Cytogenetic location: 7p14.1.
Variant type: Deletion.
Coding change: c.227del on transcript NM_138701.4 (MANE Select); coding-DNA position 227, one base deleted (G; older notation c.227delG).
Protein change: p.Gly76fs; shifts the reading frame from glycine 76.
Molecular consequence: frameshift variant.
Genome position (GRCh38, 1-based): chr7:40,134,341, C deleted on the plus strand (G on the coding strand, the reverse complement: MPLKIP is on the minus strand); the first of 6 consecutive C bases (chr7:40,134,341-40,134,346); deleting any one gives the same sequence. VCF-style (leftmost placement, unchanged base first): chr7-40134340-GC-G. GRCh37 (hg19) VCF-style: chr7-40173939-GC-G.
Other names: c.227del (NM_138701.3); short protein forms G76fs.
Identifiers: ClinVar variation 3720733 (VCV003720733.3).